The following is an entry in ClinVar:

ClinVar aggregate classification (germline): Uncertain significance (1 of 4 stars; one submission).

Submission:

Labcorp Genetics (formerly Invitae), Labcorp
Classification: Uncertain significance. Last evaluated: 2023-11-13. Review status: criteria provided, single submitter. Criteria: Invitae Variant Classification Sherloc (09022015). Collection method: clinical testing. Allele origin: germline.
Comment: This sequence change replaces alanine, which is neutral and non-polar, with glycine, which is neutral and non-polar, at codon 224 of the ABHD12 protein (p.Ala224Gly). This variant is not present in population databases (gnomAD no frequency). This variant has not been reported in the literature in individuals affected with ABHD12-related conditions. Advanced modeling of protein sequence and biophysical properties (such as structural, functional, and spatial information, amino acid conservation, physicochemical variation, residue mobility, and thermodynamic stability) performed at Invitae indicates that this missense variant is not expected to disrupt ABHD12 protein function with a negative predictive value of 80%. In summary, the available evidence is currently insufficient to determine the role of this variant in disease. Therefore, it has been classified as a Variant of Uncertain Significance.

NM_001042472.3(ABHD12):c.671C>G (p.Ala224Gly)

Genes: ABHD12 (abhydrolase domain containing 12, lysophospholipase; minus strand), LOC126863008 (CDK7 strongly-dependent group 2 enhancer GRCh37_chr20:25289826-25291025; plus strand). Cytogenetic location: 20p11.21.
Variant type: single nucleotide variant.
Coding change: c.671C>G on transcript NM_001042472.3 (MANE Select); coding-DNA position 671, C replaced by G.
Protein change: p.Ala224Gly; replaces alanine 224 with glycine.
Molecular consequence: missense variant.
Genome position (GRCh38, 1-based): chr20:25,309,524, G>C on the plus strand (C>G on the coding strand, the complement: ABHD12 is on the minus strand). VCF-style: chr20-25309524-G-C. GRCh37 (hg19) VCF-style: chr20-25290160-G-C.
Other names: c.671C>G, p.Ala224Gly (NM_015600.5); short protein forms A224G.
Identifiers: ClinVar variation 2695542 (VCV002695542.2), dbSNP rs2515774288, ClinGen allele CA408456224.